The following is an entry in ClinVar:

ClinVar aggregate classification (germline): Conflicting classifications of pathogenicity. Review status: criteria provided, conflicting classifications (1 of 4 stars). 4 submissions from 4 submitters: Uncertain significance (1); Likely benign (2). 1 of the submissions does not count toward it. Last evaluated 2025-02-04.

Conditions:
Hereditary cancer-predisposing syndrome. Also called: Tumor predisposition; Neoplastic Syndromes, Hereditary; Hereditary Cancer Syndrome; Hereditary neoplastic syndrome. Identifiers: Orphanet 140162, MedGen C0027672, MeSH D009386, MONDO:0015356.
Breast-ovarian cancer, familial, susceptibility to, 1 (BROVCA1). Also called: OVARIAN CANCER, SUSCEPTIBILITY TO; BRCA1 Hereditary Breast and Ovarian Cancer. Identifiers: Orphanet 145, MedGen C2676676, MONDO:0011450, OMIM 604370. Disease mechanism: loss of function.

Submissions (4):

Ambry Genetics
Classification: Likely benign for Hereditary cancer-predisposing syndrome. Last evaluated: 2025-02-04. Review status: criteria provided, single submitter. Criteria: Ambry Variant Classification Scheme 2023. Collection method: clinical testing. Allele origin: germline.

University of Washington Department of Laboratory Medicine, University of Washington
Classification: Likely benign for Hereditary cancer-predisposing syndrome. Last evaluated: 2023-03-23. Review status: criteria provided, single submitter. Criteria: Dines et al. (Genet Med. 2020). Collection method: curation. Allele origin: germline.
Comment: Missense variant in a coldspot region where missense variants are very unlikely to be pathogenic (PMID:31911673).

BRCA1 coldspot (exon 11 using historical exon numbering). Reclassification based on statistical prior probability

Color Diagnostics, LLC DBA Color Health
Classification: Uncertain significance for Hereditary cancer-predisposing syndrome. Last evaluated: 2021-09-20. Review status: criteria provided, single submitter. Criteria: ACMG Guidelines, 2015. Collection method: clinical testing. Allele origin: germline.
Comment: This missense variant replaces asparagine with lysine at codon 665 of the BRCA1 protein. Computational prediction suggests that this variant may not impact protein structure and function (internally defined REVEL score threshold <= 0.5, PMID: 27666373). To our knowledge, functional studies have not been reported for this variant. This variant has not been reported in individuals affected with hereditary cancer in the literature. This variant has not been identified in the general population by the Genome Aggregation Database (gnomAD). The available evidence is insufficient to determine the role of this variant in disease conclusively. Therefore, this variant is classified as a Variant of Uncertain Significance.

Breast Cancer Information Core (BIC) (BRCA1)
Classification: Uncertain significance for Breast-ovarian cancer, familial 1. Last evaluated: 2002-05-29. Review status: no assertion criteria provided. Collection method: clinical testing. Allele origin: germline. Affected: yes. Observed: 1 variant allele. Not counted in ClinVar's aggregate classification.

NM_007294.4(BRCA1):c.1995C>G (p.Asn665Lys)

Gene: BRCA1 (BRCA1 DNA repair associated; minus strand). Cytogenetic location: 17q21.31.
Variant type: single nucleotide variant.
Coding change: c.1995C>G on transcript NM_007294.4 (MANE Select); coding-DNA position 1995, C replaced by G.
Protein change: p.Asn665Lys; replaces asparagine 665 with lysine.
Molecular consequence: missense variant. On other transcripts: intron variant (137).
Genome position (GRCh38, 1-based): chr17:43,093,536, G>C on the plus strand (C>G on the coding strand, the complement: BRCA1 is on the minus strand). VCF-style: chr17-43093536-G-C. GRCh37 (hg19) VCF-style: chr17-41245553-G-C.
Other names: c.1731C>G, p.Asn577Lys (NM_001407927.1, NM_001407928.1, NM_001407929.1 and 9 more transcripts); c.1728C>G, p.Asn576Lys (NM_001407930.1, NM_001407931.1, NM_001407932.1 and 2 more transcripts); c.1872C>G, p.Asn624Lys (NM_001407937.1, NM_001407938.1, NM_001407939.1 and 19 more transcripts); c.1869C>G, p.Asn623Lys (NM_001407940.1, NM_001407941.1, NM_001407649.1 and 11 more transcripts); c.1854C>G, p.Asn618Lys (NM_001407942.1, NM_001407944.1, NM_001407945.1 and 29 more transcripts); c.1851C>G, p.Asn617Lys (NM_001407943.1, NM_001407964.1, NM_001407740.1 and 20 more transcripts); c.1662C>G, p.Asn554Lys (NM_001407946.1, NM_001407947.1, NM_001407948.1 and 6 more transcripts); c.1659C>G, p.Asn553Lys (NM_001407954.1, NM_001407955.1, NM_001407956.1 and 1 more transcripts); and 40 more; short protein forms N665K, N618K, N595K, N617K, N623K, N639K, N537K, N538K.
Identifiers: ClinVar variation 54428 (VCV000054428.8), dbSNP rs80357238, ClinGen allele CA001324.
Genomic context (GRCh38, chr17:43,093,536, plus strand): 5'-ATTTGGCTTGTTACTCTTCTTGGCTCCAGTTGCAGGTTCTTTACCTTCCATGAGTTGTAG[G>C]TTTCTGCTGTGCCTGACTGGCATTTGGTTGTACTTTTTTTTCTTTATCTCTTCACTGCTA-3'
Protein context (NP_009225.1, residues 655-675): YNQMPVRHSR[Asn665Lys]LQLMEGKEPA